The following is an entry in ClinVar:

NM_001142864.4(PIEZO1):c.1297-6G>A

Genes: HSALR1 (HSP90AB1 associated lncRNA 1; plus strand), PIEZO1 (piezo type mechanosensitive ion channel component 1 (Er blood group); minus strand). Cytogenetic location: 16q24.3.
Variant type: single nucleotide variant.
Coding change: c.1297-6G>A on transcript NM_001142864.4 (MANE Select); 6 bases into the intron before coding-DNA position 1297, G replaced by A.
Molecular consequence: intron variant.
Genome position (GRCh38, 1-based): chr16:88,736,414, C>T on the plus strand (G>A on the coding strand, the complement: PIEZO1 is on the minus strand). VCF-style: chr16-88736414-C-T. GRCh37 (hg19) VCF-style: chr16-88802822-C-T.
Other names: p.?.
Identifiers: ClinVar variation 784662 (VCV000784662.20), dbSNP rs111945967, ClinGen allele CA8233031.

ClinVar aggregate classification (germline): Benign/Likely benign. Review status: criteria provided, multiple submitters, no conflicts (2 of 4 stars). 5 submissions from 5 submitters: Benign (1); Likely benign (4). Last evaluated 2026-05-01.

Allele frequency attached by ClinVar (database versions not stated): ExAC 0.00158; ESP Exome Variant Server 0.00329; gnomAD 0.00345 and 0.00352; 1000 Genomes Project 0.00359; TOPMed 0.00418.
gnomAD v4.1: 685 of 1,536,712 alleles (0.045%); highest among the groups gnomAD compares: African/African-American, 0.89%; 7 homozygotes.

Submissions (5):

CeGaT Center for Human Genetics Tuebingen
Classification: Likely benign. Last evaluated: 2026-05-01. Review status: criteria provided, single submitter. Criteria: CeGaT Center For Human Genetics Tuebingen Variant Classification Criteria Version 2. Collection method: clinical testing. Allele origin: germline. Affected: yes. Observed: 1 variant allele.
Comment: PIEZO1: BP4, BS2

Labcorp Genetics (formerly Invitae), Labcorp
Classification: Benign. Last evaluated: 2025-11-20. Review status: criteria provided, single submitter. Criteria: Invitae Variant Classification Sherloc (09022015). Collection method: clinical testing. Allele origin: germline.

Blueprint Genetics
Classification: Likely benign. Last evaluated: 2024-11-01. Review status: criteria provided, single submitter. Criteria: ACMG Guidelines, 2015. Collection method: clinical testing. Allele origin: germline.

Mayo Clinic Laboratories, Mayo Clinic
Classification: Likely benign. Last evaluated: 2024-10-15. Review status: criteria provided, single submitter. Criteria: ACMG Guidelines, 2015. Collection method: clinical testing. Allele origin: germline. Observed: 13 variant alleles.

ARUP Laboratories, Molecular Genetics and Genomics, ARUP Laboratories
Classification: Likely benign. Last evaluated: 2023-09-14. Review status: criteria provided, single submitter. Criteria: ARUP Molecular Germline Variant Investigation Process 2024. Collection method: clinical testing. Allele origin: germline.